The following is an entry in ClinVar:

ClinVar aggregate classification (germline): Likely benign. Review status: criteria provided, multiple submitters, no conflicts (2 of 4 stars). 2 submissions from 2 submitters: Likely benign (2). Last evaluated 2025-11-24.

Conditions:
Combined malonic and methylmalonic acidemia. Identifiers: Orphanet 289504, MedGen C3280314, MONDO:0013661, OMIM 614265.

Allele frequency attached by ClinVar (database versions not stated): TOPMed 0.00008; 1000 Genomes Project 30x 0.00016; 1000 Genomes Project 0.00020; gnomAD exomes 0.00004; gnomAD 0.00006 and 0.00008; ExAC 0.00004.
gnomAD v4.1: 103 of 1,613,764 alleles (0.0064%); highest among the groups gnomAD compares: South Asian, 0.011%; no homozygotes.

Submissions (2):

Labcorp Genetics (formerly Invitae), Labcorp
Classification: Likely benign for Combined malonic and methylmalonic acidemia. Last evaluated: 2025-11-24. Review status: criteria provided, single submitter. Criteria: Invitae Variant Classification Sherloc (09022015). Collection method: clinical testing. Allele origin: germline.

GeneDx
Classification: Likely benign. Last evaluated: 2018-02-19. Review status: criteria provided, single submitter. Criteria: GeneDx Variant Classification (06012015). Collection method: clinical testing. Allele origin: germline. Affected: yes.
Comment: This variant is considered likely benign or benign based on one or more of the following criteria: it is a conservative change, it occurs at a poorly conserved position in the protein, it is predicted to be benign by multiple in silico algorithms, and/or has population frequency not consistent with disease.

NM_001243279.3(ACSF3):c.258C>T (p.Cys86=)

Gene: ACSF3 (acyl-CoA synthetase family member 3; plus strand). Cytogenetic location: 16q24.3.
Variant type: single nucleotide variant.
Coding change: c.258C>T on transcript NM_001243279.3 (MANE Select); coding-DNA position 258, C replaced by T.
Protein change: p.Cys86=; no amino-acid change (cysteine 86 retained).
Molecular consequence: synonymous variant. On other transcripts: non-coding transcript variant (3), intron variant (1).
Genome position (GRCh38, 1-based): chr16:89,100,939, C>T. VCF-style: chr16-89100939-C-T. GRCh37 (hg19) VCF-style: chr16-89167347-C-T.
Other names: c.258C>T, p.Cys86= (NM_001127214.4, NM_174917.5); c.-129-1665C>T (NM_001284316.2).
Identifiers: ClinVar variation 515635 (VCV000515635.10), dbSNP rs560101290, ClinGen allele CA8237590.